The following is an entry in ClinVar:

NM_006767.4(LZTR1):c.2191G>T (p.Glu731Ter)

Gene: LZTR1 (leucine zipper like post translational regulator 1; plus strand). Cytogenetic location: 22q11.21.
Variant type: single nucleotide variant.
Coding change: c.2191G>T on transcript NM_006767.4 (MANE Select); coding-DNA position 2191, G replaced by T.
Protein change: p.Glu731Ter; replaces glutamic acid 731 with a stop codon.
Molecular consequence: nonsense.
Genome position (GRCh38, 1-based): chr22:20,996,084, G>T. VCF-style: chr22-20996084-G-T. GRCh37 (hg19) VCF-style: chr22-21350373-G-T.
Other names: short protein forms E731*.
Identifiers: ClinVar variation 3717402 (VCV003717402.2).

ClinVar aggregate classification (germline): Pathogenic (1 of 4 stars; one submission).

Submission:

Labcorp Genetics (formerly Invitae), Labcorp
Classification: Pathogenic. Last evaluated: 2025-03-26. Review status: criteria provided, single submitter. Criteria: Invitae Variant Classification Sherloc (09022015). Collection method: clinical testing. Allele origin: germline.
Comment: This sequence change creates a premature translational stop signal (p.Glu731*) in the LZTR1 gene. It is expected to result in an absent or disrupted protein product. Loss-of-function variants in LZTR1 are known to be pathogenic (PMID: 24362817, 25335493, 25480913, 25795793, 29469822, 30368668, 30442762, 30442766, 30481304, 30859559). This variant is not present in population databases (gnomAD no frequency). This variant has not been reported in the literature in individuals affected with LZTR1-related conditions. For these reasons, this variant has been classified as Pathogenic.

Literature cited by the submitters: PubMed 24362817; PubMed 25335493; PubMed 25480913; PubMed 25795793; PubMed 29469822; PubMed 30368668; PubMed 30442762; PubMed 30442766; PubMed 30481304; PubMed 30859559.